The following is an entry in ClinVar:

ClinVar aggregate classification (germline): Likely benign (1 of 4 stars; one submission).

gnomAD v4.1: 135 of 1,551,200 alleles (0.0087%); highest among the groups gnomAD compares: East Asian, 0.02%; 1 homozygote.

Submission:

CeGaT Center for Human Genetics Tuebingen
Classification: Likely benign. Last evaluated: 2026-08-01. Review status: criteria provided, single submitter. Criteria: CeGaT Center For Human Genetics Tuebingen Variant Classification Criteria Version 2. Collection method: clinical testing. Allele origin: germline. Affected: yes. Observed: 1 variant allele.
Comment: COL6A5: BP4, BP7

NM_001278298.2(COL6A5):c.1101C>T (p.Asn367=)

Gene: COL6A5 (collagen type VI alpha 5 chain; plus strand). Cytogenetic location: 3q22.1.
Variant type: single nucleotide variant.
Coding change: c.1101C>T on transcript NM_001278298.2 (MANE Select); coding-DNA position 1101, C replaced by T.
Protein change: p.Asn367=; no amino-acid change (asparagine 367 retained).
Molecular consequence: synonymous variant. On other transcripts: non-coding transcript variant (1).
Genome position (GRCh38, 1-based): chr3:130,379,851, C>T. VCF-style: chr3-130379851-C-T. GRCh37 (hg19) VCF-style: chr3-130098694-C-T.
Other names: c.1101C>T, p.Asn367= (NM_153264.7).
Identifiers: ClinVar variation 5038963 (VCV005038963.1).